The following is an entry in ClinVar:

ClinVar aggregate classification (germline): Uncertain significance. Review status: criteria provided, multiple submitters, no conflicts (2 of 4 stars). 2 submissions from 2 submitters: Uncertain significance (2). Last evaluated 2025-11-19.

Allele frequency attached by ClinVar (database versions not stated): gnomAD 0.00002; TOPMed 0.00003; gnomAD exomes 0.00007; 1000 Genomes Project 30x 0.00031; ExAC 0.00008; 1000 Genomes Project 0.00020.
gnomAD v4.1: 58 of 1,612,770 alleles (0.0036%); highest among the groups gnomAD compares: Admixed American, 0.023%; no homozygotes.

Submissions (2):

Labcorp Genetics (formerly Invitae), Labcorp
Classification: Uncertain significance. Last evaluated: 2025-11-19. Review status: criteria provided, single submitter. Criteria: Invitae Variant Classification Sherloc (09022015). Collection method: clinical testing. Allele origin: germline.
Comment: This sequence change replaces arginine, which is basic and polar, with glutamine, which is neutral and polar, at codon 504 of the MKL1 protein (p.Arg504Gln). This variant is present in population databases (rs200748590, gnomAD 0.02%). This variant has not been reported in the literature in individuals affected with MKL1-related conditions. ClinVar contains an entry for this variant (Variation ID: 1001798). An algorithm developed to predict the effect of missense changes on protein structure and function (PolyPhen-2) suggests that this variant is likely to be disruptive. In summary, the available evidence is currently insufficient to determine the role of this variant in disease. Therefore, it has been classified as a Variant of Uncertain Significance.

Ambry Genetics
Classification: Uncertain significance. Last evaluated: 2024-12-10. Review status: criteria provided, single submitter. Criteria: Ambry Variant Classification Scheme 2023. Collection method: clinical testing. Allele origin: germline.

NM_020831.6(MRTFA):c.1811G>A (p.Arg604Gln)

Gene: MRTFA (myocardin related transcription factor A; minus strand). Cytogenetic location: 22q13.1.
Variant type: single nucleotide variant.
Coding change: c.1811G>A on transcript NM_020831.6 (MANE Select); coding-DNA position 1811, G replaced by A.
Protein change: p.Arg604Gln; replaces arginine 604 with glutamine.
Molecular consequence: missense variant.
Genome position (GRCh38, 1-based): chr22:40,418,927, C>T on the plus strand (G>A on the coding strand, the complement: MRTFA is on the minus strand). VCF-style: chr22-40418927-C-T. GRCh37 (hg19) VCF-style: chr22-40814931-C-T.
Other names: c.1511G>A (NM_020831.3); c.1511G>A, p.Arg504Gln (NM_001282660.2); c.1661G>A, p.Arg554Gln (NM_001282661.3); c.1811G>A, p.Arg604Gln (NM_001282662.3); c.1616G>A, p.Arg539Gln (NM_001318139.2); short protein forms R504Q, R539Q, R554Q, R604Q.
Identifiers: ClinVar variation 1001798 (VCV001001798.11), dbSNP rs200748590, ClinGen allele CA10249540.